The following is an entry in ClinVar:

NM_194248.3(OTOF):c.2891C>T (p.Ala964Val)

Gene: OTOF (otoferlin; minus strand). Cytogenetic location: 2p23.3.
Variant type: single nucleotide variant.
Coding change: c.2891C>T on transcript NM_194248.3 (MANE Select); coding-DNA position 2891, C replaced by T.
Protein change: p.Ala964Val; replaces alanine 964 with valine.
Molecular consequence: missense variant.
Genome position (GRCh38, 1-based): chr2:26,476,014, G>A on the plus strand (C>T on the coding strand, the complement: OTOF is on the minus strand). VCF-style: chr2-26476014-G-A. GRCh37 (hg19) VCF-style: chr2-26698882-G-A.
Other names: c.2891C>T, p.Ala964Val (NM_001287489.2); c.650C>T, p.Ala217Val (NM_004802.4, NM_194323.3); c.821C>T, p.Ala274Val (NM_194322.3); short protein forms A274V, A964V, A217V.
Identifiers: ClinVar variation 2969474 (VCV002969474.4), dbSNP rs201329629, ClinGen allele CA1563731.

ClinVar aggregate classification (germline): Conflicting classifications of pathogenicity. Review status: criteria provided, conflicting classifications (1 of 4 stars). 2 submissions from 2 submitters: Uncertain significance (1); Likely benign (1). Last evaluated 2024-11-13.

Allele frequency attached by ClinVar (database versions not stated): ESP Exome Variant Server 0.00008.
gnomAD v4.1: 14 of 1,612,546 alleles (0.00087%); highest among the groups gnomAD compares: Admixed American, 0.012%; no homozygotes.

Submissions (2):

GeneDx
Classification: Uncertain significance. Last evaluated: 2024-11-13. Review status: criteria provided, single submitter. Criteria: GeneDx Variant Classification Process June 2021. Collection method: clinical testing. Allele origin: germline. Affected: yes.
Comment: In silico analysis supports that this missense variant has a deleterious effect on protein structure/function; Has not been previously published as pathogenic or benign to our knowledge

Labcorp Genetics (formerly Invitae), Labcorp
Classification: Likely benign. Last evaluated: 2023-12-18. Review status: criteria provided, single submitter. Criteria: Invitae Variant Classification Sherloc (09022015). Collection method: clinical testing. Allele origin: germline.